The following is an entry in ClinVar:

ClinVar aggregate classification (germline): Conflicting classifications of pathogenicity. Review status: criteria provided, conflicting classifications (1 of 4 stars). 2 submissions from 2 submitters: Uncertain significance (1); Likely benign (1). Last evaluated 2025-12-29.

Conditions:
Imerslund-Grasbeck syndrome. Also called: ENTEROCYTE COBALAMIN MALABSORPTION; ENTEROCYTE INTRINSIC FACTOR RECEPTOR, DEFECT OF; Imerslund-Gräsbeck syndrome; PERNICIOUS ANEMIA, JUVENILE, DUE TO SELECTIVE INTESTINAL MALABSORPTION OF VITAMIN B12, WITH PROTEINURIA; Megaloblastic anemia due to inborn errors of metabolism. Identifiers: Orphanet 35858, MedGen C4551825, MONDO:0009853.

Allele frequency attached by ClinVar (database versions not stated): 1000 Genomes Project 30x 0.00125; TOPMed 0.00127; gnomAD 0.00105 and 0.00111; ESP Exome Variant Server 0.00108; 1000 Genomes Project 0.00100; gnomAD exomes 0.00028; ExAC 0.00036.
gnomAD v4.1: 293 of 1,613,968 alleles (0.018%); highest among the groups gnomAD compares: African/African-American, 0.36%; no homozygotes.

Submissions (2):

Labcorp Genetics (formerly Invitae), Labcorp
Classification: Likely benign for Imerslund-Grasbeck syndrome. Last evaluated: 2025-12-29. Review status: criteria provided, single submitter. Criteria: Invitae Variant Classification Sherloc (09022015). Collection method: clinical testing. Allele origin: germline.

GeneDx
Classification: Uncertain significance. Last evaluated: 2023-01-11. Review status: criteria provided, single submitter. Criteria: GeneDx Variant Classification Process June 2021. Collection method: clinical testing. Allele origin: germline. Affected: yes.
Comment: In silico analysis supports that this missense variant has a deleterious effect on protein structure/function; Has not been previously published as pathogenic or benign to our knowledge; This variant is associated with the following publications: (PMID: 27535533)

NM_001081.4(CUBN):c.6673G>C (p.Asp2225His)

Gene: CUBN (cubilin; minus strand). Cytogenetic location: 10p13.
Variant type: single nucleotide variant.
Coding change: c.6673G>C on transcript NM_001081.4 (MANE Select); coding-DNA position 6673, G replaced by C.
Protein change: p.Asp2225His; replaces aspartic acid 2225 with histidine.
Molecular consequence: missense variant.
Genome position (GRCh38, 1-based): chr10:16,920,111, C>G on the plus strand (G>C on the coding strand, the complement: CUBN is on the minus strand). VCF-style: chr10-16920111-C-G. GRCh37 (hg19) VCF-style: chr10-16962110-C-G.
Other names: short protein forms D2225H.
Identifiers: ClinVar variation 1208196 (VCV001208196.12), dbSNP rs140862613, ClinGen allele CA5423608.
Genomic context (GRCh38, chr10:16,920,111, plus strand): 5'-CGTGCGGGGGATAATTATGAGGGTGGTTGGGGGAGGTCACATACCCAGCAGAATCAGCAT[C>G]ATGGATGTAGACGTTGCCCCCACAGGCTGTGAGCAAACACACTTAAATCAGTCTATGATC-3'
Protein context (NP_001072.2, residues 2215-2235): LACGGNVYIH[Asp2225His]ADSAGYVTSP